The following is an entry in ClinVar:

NM_000444.6(PHEX):c.1930_1931dup (p.Ala645fs)

Genes: PTCHD1-AS (PTCHD1 and PHEX antisense RNA; minus strand), PHEX (phosphate regulating endopeptidase X-linked; plus strand). Cytogenetic location: Xp22.11.
Variant type: Microsatellite.
Coding change: c.1930_1931dup on transcript NM_000444.6 (MANE Select); coding-DNA positions 1930 to 1931, 2 bases duplicated (AT; older notation c.1930_1931dupAT).
Protein change: p.Ala645fs; shifts the reading frame from alanine 645.
Molecular consequence: frameshift variant.
Genome position (GRCh38, 1-based): chrX:22,226,473-22,226,474, AT duplicated; duplicating any 2 consecutive bases within chrX:22,226,471-22,226,474 gives the same sequence; the c. name uses the placement nearest the transcript's 3' end. VCF-style (leftmost placement, unchanged base first): chrX-22226470-A-AAT. GRCh37 (hg19) VCF-style: chrX-22244587-A-AAT.
Other names: c.1930_1931dup, p.Ala645fs (NM_001282754.2); short protein forms A645fs.
Identifiers: ClinVar variation 4723979 (VCV004723979.1).
Genomic context (GRCh38, chrX:22,226,470, plus strand): 5'-CATTTTTTTTTTTTCCTTTTTTCTTTCTGTTAGGTCAAGGGGAAGAGGACCCTGGGAGAA[A>AAT]ATATTGCTGATAATGGAGGCCTGCGGGAAGCTTTTAGGGTATGCGCTGCTACATTTACCG-3'

ClinVar aggregate classification (germline): Pathogenic (1 of 4 stars; one submission).

Submission:

Labcorp Genetics (formerly Invitae), Labcorp
Classification: Pathogenic. Last evaluated: 2025-07-24. Review status: criteria provided, single submitter. Criteria: Invitae Variant Classification Sherloc (09022015). Collection method: clinical testing. Allele origin: germline.
Comment: This sequence change creates a premature translational stop signal (p.Ala645Leufs*18) in the PHEX gene. It is expected to result in an absent or disrupted protein product. Loss-of-function variants in PHEX are known to be pathogenic (PMID: 9097956, 9106524, 19219621). This variant is not present in population databases (gnomAD no frequency). This variant has not been reported in the literature in individuals affected with PHEX-related conditions. For these reasons, this variant has been classified as Pathogenic.

Literature cited by the submitters: PubMed 9097956; PubMed 9106524; PubMed 19219621.